The following is an entry in ClinVar:

NM_003803.4(MYOM1):c.387A>G (p.Lys129=)

Gene: MYOM1 (myomesin 1; minus strand). Cytogenetic location: 18p11.31.
Variant type: single nucleotide variant.
Coding change: c.387A>G on transcript NM_003803.4 (MANE Select); coding-DNA position 387, A replaced by G.
Protein change: p.Lys129=; no amino-acid change (lysine 129 retained).
Molecular consequence: synonymous variant.
Genome position (GRCh38, 1-based): chr18:3,193,862, T>C on the plus strand (A>G on the coding strand, the complement: MYOM1 is on the minus strand). VCF-style: chr18-3193862-T-C. GRCh37 (hg19) VCF-style: chr18-3193860-T-C.
Other names: c.387A>G, p.Lys129= (NM_019856.2).
Identifiers: ClinVar variation 454451 (VCV000454451.16), dbSNP rs370293379, ClinGen allele CA8875263.

ClinVar aggregate classification (germline): Likely benign. Review status: criteria provided, multiple submitters, no conflicts (2 of 4 stars). 3 submissions from 3 submitters: Likely benign (2). 1 of the submissions does not count toward it. Last evaluated 2026-02-02.

Conditions:
MYOM1-related disorder.
Hypertrophic cardiomyopathy. Also called: HYPERTROPHIC MYOCARDIOPATHY. Identifiers: Orphanet 217569, MedGen C0007194, MeSH D002312, MONDO:0005045, HP:0001639.

Allele frequency attached by ClinVar (database versions not stated): gnomAD exomes 0.00001 and 0.00009; gnomAD 0.00003 and 0.00006; TOPMed 0.00009; ExAC 0.00010; 1000 Genomes Project 30x 0.00016.
gnomAD v4.1: 48 of 1,613,884 alleles (0.003%); highest among the groups gnomAD compares: East Asian, 0.036%; 2 homozygotes.

Submissions (3):

Labcorp Genetics (formerly Invitae), Labcorp
Classification: Likely benign for Hypertrophic cardiomyopathy. Last evaluated: 2026-02-02. Review status: criteria provided, single submitter. Criteria: Invitae Variant Classification Sherloc (09022015). Collection method: clinical testing. Allele origin: germline.

Ambry Genetics
Classification: Likely benign. Last evaluated: 2022-02-17. Review status: criteria provided, single submitter. Criteria: Ambry Variant Classification Scheme 2023. Collection method: clinical testing. Allele origin: germline.

PreventionGenetics, part of Exact Sciences
Classification: Likely benign for MYOM1-related condition. Last evaluated: 2019-03-20. Review status: no assertion criteria provided. Collection method: clinical testing. Allele origin: germline. Not counted in ClinVar's aggregate classification.
Comment: This variant is classified as likely benign based on ACMG/AMP sequence variant interpretation guidelines (Richards et al. 2015 PMID: 25741868, with internal and published modifications).